The following is an entry in ClinVar:

ClinVar aggregate classification (germline): Benign/Likely benign. Review status: criteria provided, multiple submitters, no conflicts (2 of 4 stars). 12 submissions from 12 submitters: Benign (4); Likely benign (4). 4 of the submissions do not count toward it. Last evaluated 2026-02-03.

Conditions:
Inborn genetic diseases. Identifiers: MedGen C0950123, MeSH D030342.
Progressive sclerosing poliodystrophy (MTDPS4A). Also called: Mitochondrial DNA depletion syndrome 4A (Alpers type); Mitochondrial DNA Depletion Syndrome 4A; ALPERS PROGRESSIVE INFANTILE POLIODYSTROPHY; Alpers-Huttenlocher Syndrome; Alpers Syndrome; ALPERS DIFFUSE DEGENERATION OF CEREBRAL GRAY MATTER WITH HEPATIC CIRRHOSIS. Identifiers: Orphanet 726, MedGen C0205710, MONDO:0008758, OMIM 203700.

Submissions (12):

Labcorp Genetics (formerly Invitae), Labcorp
Classification: Benign for Progressive sclerosing poliodystrophy. Last evaluated: 2026-02-03. Review status: criteria provided, single submitter. Criteria: Invitae Variant Classification Sherloc (09022015). Collection method: clinical testing. Allele origin: germline.

CeGaT Center for Human Genetics Tuebingen
Classification: Likely benign. Last evaluated: 2026-02-01. Review status: criteria provided, single submitter. Criteria: CeGaT Center For Human Genetics Tuebingen Variant Classification Criteria Version 2. Collection method: clinical testing. Allele origin: germline. Affected: yes. Observed: 6 variant alleles.
Comment: POLG: BP4

Blueprint Genetics
Classification: Likely benign. Last evaluated: 2024-10-29. Review status: criteria provided, single submitter. Criteria: ACMG Guidelines, 2015. Collection method: clinical testing. Allele origin: germline.

Ambry Genetics
Classification: Likely benign for Inborn genetic diseases. Last evaluated: 2021-10-09. Review status: criteria provided, single submitter. Criteria: Ambry Variant Classification Scheme 2023. Collection method: clinical testing. Allele origin: germline.

ARUP Laboratories, Molecular Genetics and Genomics, ARUP Laboratories
Classification: Benign. Last evaluated: 2020-04-10. Review status: criteria provided, single submitter. Criteria: ARUP Molecular Germline Variant Investigation Process. Collection method: clinical testing. Allele origin: germline.

Athena Diagnostics
Classification: Likely benign. Last evaluated: 2019-12-31. Review status: criteria provided, single submitter. Criteria: Athena Diagnostics Criteria. Collection method: clinical testing. Allele origin: unknown.

Eurofins Ntd Llc (ga)
Classification: Benign. Last evaluated: 2015-08-27. Review status: criteria provided, single submitter. Criteria: EGL Classification Definitions 2015. Collection method: clinical testing. Allele origin: germline. Observed: 1 variant allele, 1 heterozygote.

GeneDx
Classification: Benign. Last evaluated: 2014-07-23. Review status: criteria provided, single submitter. Criteria: GeneDx Variant Classification (06012015). Collection method: clinical testing. Allele origin: germline. Affected: yes.
Comment: The variant is found in EPILEPSY,INFANT-EPI,CHILD-EPI panel(s).

Mayo Clinic Laboratories, Mayo Clinic
Classification: Likely benign. Last evaluated: 2016-02-29. Review status: no assertion criteria provided. Collection method: clinical testing. Allele origin: unknown. Not counted in ClinVar's aggregate classification.

Clinical Genetics DNA and cytogenetics Diagnostics Lab, Erasmus MC, Erasmus Medical Center
Classification: Likely benign. Review status: no assertion criteria provided. Collection method: clinical testing. Allele origin: germline. Affected: yes. Study: VKGL Data-share Consensus. Not counted in ClinVar's aggregate classification.

Diagnostic Laboratory, Department of Genetics, University Medical Center Groningen
Classification: Likely benign. Review status: no assertion criteria provided. Collection method: clinical testing. Allele origin: germline. Affected: yes. Study: VKGL Data-share Consensus. Not counted in ClinVar's aggregate classification.

Genome Diagnostics Laboratory, University Medical Center Utrecht
Classification: Likely benign. Review status: no assertion criteria provided. Collection method: clinical testing. Allele origin: germline. Affected: yes. Study: VKGL Data-share Consensus. Not counted in ClinVar's aggregate classification.

NM_002693.3(POLG):c.856-17CTC[4]

Gene: POLG (DNA polymerase gamma, catalytic subunit; minus strand). Cytogenetic location: 15q26.1.
Variant type: Microsatellite.
Coding change: c.856-17CTC[4] on transcript NM_002693.3 (MANE Select); four copies in a row of the 3-base unit CTC starting at c.856-17; the reference has five copies in a row; one copy, 3 bases deleted.
Molecular consequence: intron variant.
Genome position (GRCh38, 1-based): chr15:89,329,113-89,329,115, GAG deleted on the plus strand (CTC on the coding strand, the reverse complement: POLG is on the minus strand); deleting any 3 consecutive bases within chr15:89,329,113-89,329,127 gives the same sequence; the position shown is the placement nearest the transcript's 3' end. VCF-style (leftmost placement, unchanged base first): chr15-89329112-TGAG-T. GRCh37 (hg19) VCF-style: chr15-89872343-TGAG-T.
Other names: c.856-5_856-3delCTC (NM_002693.2); c.856-17CTC[4] (NM_001126131.2).
Identifiers: ClinVar variation 206496 (VCV000206496.72), dbSNP rs200056162, ClinGen allele CA316640.